The following is an entry in ClinVar:

ClinVar aggregate classification (germline): Uncertain significance (1 of 4 stars; one submission).

Conditions:
CFAP52-related disorder. Also called: CFAP52-related condition.

Submission:

PreventionGenetics, part of Exact Sciences
Classification: Uncertain significance for CFAP52-related condition. Last evaluated: 2023-07-23. Review status: criteria provided, single submitter. Criteria: ACMG Guidelines, 2015. Collection method: clinical testing. Allele origin: germline.
Comment: The CFAP52 c.1208C>T variant is predicted to result in the amino acid substitution p.Pro403Leu. To our knowledge, this variant has not been reported in the literature or in a large population database, indicating this variant is rare. At this time, the clinical significance of this variant is uncertain due to the absence of conclusive functional and genetic evidence.

NM_145054.5(CFAP52):c.1208C>T (p.Pro403Leu)

Gene: CFAP52 (cilia and flagella associated protein 52; plus strand). Cytogenetic location: 17p13.1.
Variant type: single nucleotide variant.
Coding change: c.1208C>T on transcript NM_145054.5 (MANE Select); coding-DNA position 1208, C replaced by T.
Protein change: p.Pro403Leu; replaces proline 403 with leucine.
Molecular consequence: missense variant.
Genome position (GRCh38, 1-based): chr17:9,632,921, C>T. VCF-style: chr17-9632921-C-T. GRCh37 (hg19) VCF-style: chr17-9536238-C-T.
Other names: c.1208C>T, p.Pro403Leu (NM_001037306.1); c.1004C>T, p.Pro335Leu (NM_001080556.2); short protein forms P335L, P403L.
Identifiers: ClinVar variation 2631744 (VCV002631744.1), dbSNP rs2508438608, ClinGen allele CA398070368.